The following is an entry in ClinVar:

ClinVar aggregate classification (germline): Pathogenic. Review status: criteria provided, multiple submitters, no conflicts (2 of 4 stars). 15 submissions from 15 submitters: Pathogenic (14). 1 of the submissions does not count toward it. Last evaluated 2024-10-08.

Conditions:
HNRNPH2-related disorder. Also called: HNRNPH2-related condition.
HNRNPH2-related disorders.
Intellectual developmental disorder, X-linked, syndromic, Bain type. Also called: Intellectual disability, X-linked, syndromic, Bain type; HNRNPH2-Related Neurodevelopmental Disorder. Identifiers: Orphanet 662198, MedGen C4310814, MONDO:0010512, OMIM 300986.

Submissions 1 to 11 of 15:

Victorian Clinical Genetics Services, Murdoch Childrens Research Institute
Classification: Pathogenic for Intellectual developmental disorder, X-linked, syndromic, Bain type. Last evaluated: 2024-10-08. Review status: criteria provided, single submitter. Criteria: ACMG Guidelines, 2015. Collection method: clinical testing. Allele origin: germline. Inheritance: X-linked dominant inheritance. Affected: yes.
Comment: Based on the classification scheme VCGS_Germline_v1.3.4, this variant is classified as Pathogenic. Following criteria are met: 0101 - Gain of function is a suggested mechanism of disease in this gene (PMID:27545675) and is associated with intellectual developmental disorder, X-linked syndromic, Bain type (MIM#300986). (I) 0110 - This gene is associated with X-linked dominant disease. (I) 0200 - Variant is predicted to result in a missense amino acid change from arginine to glutamine. (I) 0251 - This variant is heterozygous. (I) 0301 - Variant is absent from gnomAD (both v2 and v3). (SP) 0503 - Missense variant consistently predicted to be tolerated by multiple in silico tools or not conserved in placental mammals with a minor amino acid change. (SB) 0603 - Missense variant in a region that is highly intolerant to missense variation (high constraint region in DECIPHER). (SP) 0701 - Other missense variants comparable to the one identified in this case have very strong previous evidence for pathogenicity. De novo missense variants at this amino acid position have been reported many times in individuals affected with disease (ClinVar, PMID: 33728377). (SP) 0801 - This variant has strong previous evidence of pathogenicity in unrelated individuals. This variant has been reported many times in ClinVar as pathogenic and is a repeatedly seen de novo variant in individuals (both male and female) presenting with intellectual disability, regression and growth issues (PMID: 27545675, 33728377, 32335897). (SP) 0905 - No published segregation evidence has been identified for this variant. (I) 1002 - This variant has moderate functional evidence supporting abnormal protein function. In vitro studies demonstrate that this variant creates a defect in protein localisation (PMID:34907471). Accumulation of similar HNRNP proteins in the cytoplasm can lead to neurodegenerative conditions (PMID:27545675). (SP) Legend: (SP) - Supporting pathogenic, (I) - Information, (SB) - Supporting benign

Blueprint Genetics
Classification: Pathogenic for HNRNPH2-related disorders. Last evaluated: 2024-04-21. Review status: criteria provided, single submitter. Criteria: ACMG Guidelines, 2015. Collection method: clinical testing. Allele origin: germline. Affected: yes. Observed: 1 variant allele.

ARUP Laboratories, Molecular Genetics and Genomics, ARUP Laboratories
Classification: Pathogenic for Intellectual developmental disorder, X-linked, syndromic, Bain type. Last evaluated: 2024-02-26. Review status: criteria provided, single submitter. Criteria: ARUP Molecular Germline Variant Investigation Process 2024. Collection method: clinical testing. Allele origin: germline.
Comment: The HNRNPH2 c.617G>A; p.Arg206Gln variant (rs886039764, ClinVar Variation ID: 225761) has been reported as a de novo variant in several males with neurodevelopmental disorders (Bain 2021, Jepsen 2019, Kreienkamp 2022, Madhok 2022, Peron 2020). This variant is absent from the Genome Aggregation Database (v2.1.1), indicating it is not a common polymorphism. Computational analyses are uncertain whether this variant is neutral or deleterious (REVEL: 0.225). Additionally, other variants at this codon (c.617G>T, p.Arg206Leu; c.616C>T, p.Arg206Trp) have been reported in individuals with neurodevelopmental disorders and are considered pathogenic (Bain 2021, Jepsen 2019). Based on available information, the p.Arg206Gln variant is considered to be pathogenic. References: Bain JM et al. Detailed Clinical and Psychological Phenotype of the X-linked HNRNPH2-Related Neurodevelopmental Disorder. Neurol Genet. 2021 Feb. PMID: 33728377. Jepsen WM et al. Two additional males with X-linked, syndromic mental retardation carry de novo mutations in HNRNPH2. Clin Genet. 2019 Aug. PMID: 31236915. Kreienkamp HJ et al. Variant-specific effects define the phenotypic spectrum of HNRNPH2-associated neurodevelopmental disorders in males. Hum Genet. 2022 Feb. PMID: 34907471 Madhok S et al. HNRNPH2-Related Neurodevelopmental Disorder. GeneReviews 2022. PMID: 36108116. Peron A et al. Missense variants in the Arg206 residue of HNRNPH2: Further evidence of causality and expansion of the phenotype. Am J Med Genet A. 2020 Apr. PMID: 31943778.

Revvity Omics, Revvity
Classification: Pathogenic for Intellectual developmental disorder, X-linked, syndromic, Bain type. Last evaluated: 2024-01-11. Review status: criteria provided, single submitter. Criteria: ACMG Guidelines, 2015. Collection method: clinical testing. Allele origin: germline.

Baylor Genetics
Classification: Pathogenic for Intellectual developmental disorder, X-linked, syndromic, Bain type. Last evaluated: 2023-11-13. Review status: criteria provided, single submitter. Criteria: ACMG Guidelines, 2015. Collection method: clinical testing. Allele origin: unknown.

Neuberg Centre For Genomic Medicine, NCGM
Classification: Pathogenic for Intellectual developmental disorder, X-linked, syndromic, Bain type. Last evaluated: 2023-06-02. Review status: criteria provided, single submitter. Criteria: ACMG Guidelines, 2015. Collection method: clinical testing. Allele origin: germline. Inheritance: Autosomal dominant inheritance. Affected: yes.
Comment: The observed missense variant c.617G>A(p.Arg206Gln) in HNRNPH2 gene has been reported previously in individuals with developmental delay, intellectual disability, and hypotonia (Bain JM, et al., 2016, Jepsen WM, et al., 2019). A different amino acid change as a known pathogenic variant has been reported c.616C>T(p.Arg206Trp).The (p.Arg206Gln) variant is absent in gnomAD Exomes. This variant has been reported to the ClinVar database as Likely Pathogenic/Pathogenic (multiple submissions). The amino acid Arginine at position 206 is changed to a Glutamine changing protein sequence and it might alter its composition and physico-chemical properties. Computational evidence (Polyphen-Benign, SIFT-Tolerated and Mutation Taster-disease causing) predicts conflicting evidence on protein structure and function for this variant. The reference amino acid p.Arg206Gln in HNRNPH2 is predicted as conserved by GERP++ and PhyloP across 100 vertebrates. For these reasons, this variant has been classified as Pathogenic.

Laboratory of Medical Genetics, National & Kapodistrian University of Athens
Classification: Pathogenic for Intellectual developmental disorder, X-linked, syndromic, Bain type. Last evaluated: 2023-04-24. Review status: criteria provided, single submitter. Criteria: ACMG Guidelines, 2015. Collection method: clinical testing. Allele origin: germline. Affected: yes.
Comment: PS4, PM2, PM5, PP5 - The variant has been reported in ClinVar as Pathogenic by other laboratories (Variation ID 225761). This variant has been previously reported as causative for X-linked HNRNPH2-related neurodevelopmental disorder (PMID:34907471).

CeGaT Center for Human Genetics Tuebingen
Classification: Pathogenic. Last evaluated: 2023-03-01. Review status: criteria provided, single submitter. Criteria: CeGaT Center For Human Genetics Tuebingen Variant Classification Criteria Version 2. Collection method: clinical testing. Allele origin: germline. Affected: yes. Observed: 1 variant allele.
Comment: HNRNPH2: PM1, PM2, PM5, PS2:Moderate, PS4:Moderate, PP2, PP4

Laboratory of Medical Genetics, University of Torino
Classification: Pathogenic for Intellectual developmental disorder, X-linked, syndromic, Bain type. Last evaluated: 2022-11-29. Review status: criteria provided, single submitter. Criteria: ACMG Guidelines, 2015. Collection method: research. Allele origin: germline. Affected: yes. Study: NeuroWES.

GeneDx
Classification: Pathogenic. Last evaluated: 2022-11-25. Review status: criteria provided, single submitter. Criteria: GeneDx Variant Classification Process June 2021. Collection method: clinical testing. Allele origin: germline. Affected: yes.
Comment: Not observed at significant frequency in large population cohorts (gnomAD); In silico analysis supports that this missense variant does not alter protein structure/function; This variant is associated with the following publications: (PMID: 34907471, 27545675, 29938792, 31164858, 30887513, 31236915, 31943778, 33504798, 33728377, 27535533)

PreventionGenetics, part of Exact Sciences
Classification: Pathogenic for HNRNPH2-related condition. Last evaluated: 2022-08-30. Review status: criteria provided, single submitter. Criteria: ACMG Guidelines, 2015. Collection method: clinical testing. Allele origin: germline.
Comment: The HNRNPH2 c.617G>A variant is predicted to result in the amino acid substitution p.Arg206Gln. This variant has been previously reported as causative for X-linked HNRNPH2-related neurodevelopmental disorder (Bain et al. 2016. PubMed ID: 27545675; Harmsen et al. 2019. PubMed ID: 30887513; Patient 071 in Demos et al. 2019. PubMed ID: 31164858; Martin et al. 2021. PubMed ID: 33504798, Supplementary Data 2; Bain et al. 2021. PubMed ID: 33728377). An alternate nucleotide change affecting the same amino acid (c.616C>T, p.Arg206Trp) has also been reported in individuals with HNRNPH2-related neurodevelopmental disorder (see for example Jepsen et al. 2019. PubMed ID: 31236915; Bain et al. 2021. PubMed ID: 33728377). In addition, this variant is interpreted as pathogenic or likely pathogenic by multiple laboratories in the ClinVar database. We therefore classify this variant as pathogenic.

NM_019597.5(HNRNPH2):c.617G>A (p.Arg206Gln)

Genes: RPL36A-HNRNPH2 (RPL36A-HNRNPH2 readthrough; plus strand), HNRNPH2 (heterogeneous nuclear ribonucleoprotein H2; plus strand). Cytogenetic location: Xq22.1.
Variant type: single nucleotide variant.
Coding change: c.617G>A on transcript NM_019597.5 (MANE Select); coding-DNA position 617, G replaced by A.
Protein change: p.Arg206Gln; replaces arginine 206 with glutamine.
Molecular consequence: missense variant. On other transcripts: 3 prime UTR variant (2).
Genome position (GRCh38, 1-based): chrX:101,412,605, G>A. VCF-style: chrX-101412605-G-A. GRCh37 (hg19) VCF-style: chrX-100667593-G-A.
Other names: c.*613G>A (NM_001199973.2, NM_001199974.2); c.617G>A, p.Arg206Gln (NM_001032393.3); short protein forms R206Q.
Identifiers: ClinVar variation 225761 (VCV000225761.49), dbSNP rs886039764, ClinGen allele CA10576092.
Genomic context (GRCh38, chrX:101,412,605, plus strand): 5'-GTAGCCGAGCTGAAGTTCGAACCCACTATGATCCCCCTCGAAAGCTCATGGCTATGCAGC[G>A]GCCAGGTCCCTATGATAGGCCGGGGGCTGGCAGAGGGTATAATAGCATTGGCAGAGGAGC-3'
Protein context (NP_062543.1, residues 196-216): DPPRKLMAMQ[Arg206Gln]PGPYDRPGAG